The following is an entry in ClinVar:

ClinVar aggregate classification (germline): Uncertain significance (1 of 4 stars; one submission).

Conditions:
Charcot-Marie-Tooth disease type 2. Also called: Charcot-Marie-Tooth type 2. Identifiers: Orphanet 64746, MedGen C0270914, MONDO:0018993.

Submission:

Labcorp Genetics (formerly Invitae), Labcorp
Classification: Uncertain significance for Charcot-Marie-Tooth disease type 2. Last evaluated: 2022-07-14. Review status: criteria provided, single submitter. Criteria: Invitae Variant Classification Sherloc (09022015). Collection method: clinical testing. Allele origin: germline.
Comment: This sequence change affects an acceptor splice site in intron 38 of the KIF1B gene. It is expected to disrupt RNA splicing. Variants that disrupt the donor or acceptor splice site typically lead to a loss of protein function (PMID: 16199547), however the current clinical and genetic evidence is not sufficient to establish whether loss-of-function variants in KIF1B cause disease. This variant is not present in population databases (gnomAD no frequency). This variant has not been reported in the literature in individuals affected with KIF1B-related conditions. Algorithms developed to predict the effect of sequence changes on RNA splicing suggest that this variant may disrupt the consensus splice site. In summary, the available evidence is currently insufficient to determine the role of this variant in disease. Therefore, it has been classified as a Variant of Uncertain Significance.

Literature cited by the submitters: PubMed 16199547.

NM_001365951.3(KIF1B):c.4305-2A>T

Gene: KIF1B (kinesin family member 1B; plus strand). Cytogenetic location: 1p36.22.
Variant type: single nucleotide variant.
Coding change: c.4305-2A>T on transcript NM_001365951.3 (MANE Select); the canonical splice acceptor site of the intron before coding-DNA position 4305, A replaced by T.
Molecular consequence: splice acceptor variant.
Genome position (GRCh38, 1-based): chr1:10,363,281, A>T. VCF-style: chr1-10363281-A-T. GRCh37 (hg19) VCF-style: chr1-10423339-A-T.
Other names: c.4167-2A>T (NM_015074.3); c.4305-2A>T (NM_001365952.1).
Identifiers: ClinVar variation 2011226 (VCV002011226.4), dbSNP rs2521897905, ClinGen allele CA338318511.